The following is an entry in ClinVar:

ClinVar aggregate classification (germline): Pathogenic (1 of 4 stars; one submission).

Conditions:
Congenital myasthenic syndrome 9. Also called: Myasthenic syndrome, congenital, 9, associated with acetylcholine receptor deficiency. Identifiers: Orphanet 590, MedGen C4225368, MONDO:0014587, OMIM 616325.
Fetal akinesia deformation sequence 1 (FADS1). Also called: Fetal akinesia sequence; Pena-Shokeir syndrome type I. Identifiers: Orphanet 994, MedGen C1276035, MONDO:0100101, OMIM 208150, HP:0001989.

Submission:

Labcorp Genetics (formerly Invitae), Labcorp
Classification: Pathogenic for Congenital myasthenic syndrome 9; Fetal akinesia deformation sequence 1. Last evaluated: 2022-10-31. Review status: criteria provided, single submitter. Criteria: Invitae Variant Classification Sherloc (09022015). Collection method: clinical testing. Allele origin: germline.
Comment: This sequence change creates a premature translational stop signal (p.Glu614Lysfs*26) in the MUSK gene. While this is not anticipated to result in nonsense mediated decay, it is expected to disrupt the last 256 amino acid(s) of the MUSK protein. This variant is not present in population databases (gnomAD no frequency). This variant has not been reported in the literature in individuals affected with MUSK-related conditions. Algorithms developed to predict the effect of sequence changes on RNA splicing suggest that this variant may disrupt the consensus splice site. This variant disrupts a region of the MUSK protein in which other variant(s) (p.Leu821Phe) have been determined to be pathogenic (Invitae). This suggests that this is a clinically significant region of the protein, and that variants that disrupt it are likely to be disease-causing. For these reasons, this variant has been classified as Pathogenic.

NM_005592.4(MUSK):c.1840del (p.Glu614fs)

Gene: MUSK (muscle associated receptor tyrosine kinase; plus strand). Cytogenetic location: 9q31.3.
Variant type: Deletion.
Coding change: c.1840del on transcript NM_005592.4 (MANE Select); coding-DNA position 1840, one base deleted (G; older notation c.1840delG).
Protein change: p.Glu614fs; shifts the reading frame from glutamic acid 614.
Molecular consequence: frameshift variant.
Genome position (GRCh38, 1-based): chr9:110,787,751, G deleted. VCF-style (leftmost placement, unchanged base first): chr9-110787750-AG-A. GRCh37 (hg19) VCF-style: chr9-113550030-AG-A.
Other names: c.1582del, p.Glu528fs (NM_001166280.2); c.1552del, p.Glu518fs (NM_001166281.2); c.580del, p.Glu194fs (NM_001369398.1); short protein forms E528fs, E518fs, E194fs, E614fs.
Identifiers: ClinVar variation 2941162 (VCV002941162.3), dbSNP rs2491166668, ClinGen allele CA2740095582.